The following is an entry in ClinVar:

NM_005633.4(SOS1):c.638G>A (p.Arg213Gln)

Gene: SOS1 (SOS Ras/Rac guanine nucleotide exchange factor 1; minus strand). Cytogenetic location: 2p22.1.
Variant type: single nucleotide variant.
Coding change: c.638G>A on transcript NM_005633.4 (MANE Select); coding-DNA position 638, G replaced by A.
Protein change: p.Arg213Gln; replaces arginine 213 with glutamine.
Molecular consequence: missense variant.
Genome position (GRCh38, 1-based): chr2:39,054,696, C>T on the plus strand (G>A on the coding strand, the complement: SOS1 is on the minus strand). VCF-style: chr2-39054696-C-T. GRCh37 (hg19) VCF-style: chr2-39281837-C-T.
Other names: c.617G>A, p.Arg206Gln (NM_001382394.1); c.638G>A, p.Arg213Gln (NM_001382395.1); short protein forms R213Q, R206Q.
Identifiers: ClinVar variation 496310 (VCV000496310.8), dbSNP rs374761537, ClinGen allele CA1624754.

ClinVar aggregate classification (germline): Conflicting classifications of pathogenicity. Review status: criteria provided, conflicting classifications (1 of 4 stars). 5 submissions from 5 submitters: Uncertain significance (4); Likely benign (1). Last evaluated 2026-02-03.

Conditions:
SOS1-related disorder. Also called: SOS1-related condition.
Cardiovascular phenotype. Identifiers: MedGen CN230736.
Noonan syndrome 4 (NS4). Also called: SOS1-Related Noonan Syndrome; NOONAN SYNDROME WITH PIGMENTED VILLONODULAR SYNOVITIS. Identifiers: Orphanet 648, MedGen C1853120, MONDO:0012547, OMIM 610733.
Fibromatosis, gingival, 1 (GINGF1). Identifiers: Orphanet 2024, MedGen C4551558, MONDO:0007609, OMIM 135300.
RASopathy. Also called: Noonan spectrum disorder; rasopathies. Identifiers: Orphanet 536391, MedGen C5555857, MONDO:0021060.

Allele frequency attached by ClinVar (database versions not stated): gnomAD 0.00001; gnomAD exomes 0.00001 and 0.00002; ExAC 0.00002; TOPMed 0.00002; ESP Exome Variant Server 0.00008.
gnomAD v4.1: 8 of 1,599,324 alleles (0.0005%); highest among the groups gnomAD compares: African/African-American, 0.004%; no homozygotes.

Submissions (5):

Labcorp Genetics (formerly Invitae), Labcorp
Classification: Likely benign for RASopathy. Last evaluated: 2026-02-03. Review status: criteria provided, single submitter. Criteria: Invitae Variant Classification Sherloc (09022015). Collection method: clinical testing. Allele origin: germline.

Ambry Genetics
Classification: Uncertain significance for Cardiovascular phenotype. Last evaluated: 2024-09-25. Review status: criteria provided, single submitter. Criteria: Ambry Variant Classification Scheme 2023. Collection method: clinical testing. Allele origin: germline.
Comment: The p.R213Q variant (also known as c.638G>A), located in coding exon 5 of the SOS1 gene, results from a G to A substitution at nucleotide position 638. The arginine at codon 213 is replaced by glutamine, an amino acid with highly similar properties. This variant has been reported in a prenatal specimen in a Noonan syndrome genetic testing cohort, but clinical details were limited (Leach NT et al. Genet Med, 2019 Feb;21:417-425). This amino acid position is highly conserved in available vertebrate species. In addition, this alteration is predicted to be tolerated by in silico analysis. Based on the available evidence, the clinical significance of this variant remains unclear.

PreventionGenetics, part of Exact Sciences
Classification: Uncertain significance for SOS1-related condition. Last evaluated: 2022-12-27. Review status: criteria provided, single submitter. Criteria: ACMG Guidelines, 2015. Collection method: clinical testing. Allele origin: germline.
Comment: The SOS1 c.638G>A variant is predicted to result in the amino acid substitution p.Arg213Gln. This variant was reported in a fetus with increased nuchal translucency and suspected absent nasal bone (Table S2 - Leach et al. 2019. PubMed ID: 29907801). This variant is reported in 0.012% of alleles in individuals of African descent in gnomAD. Although we suspect that this variant may be benign, at this time, the clinical significance of this variant is uncertain due to the absence of conclusive functional and genetic evidence.

Fulgent Genetics
Classification: Uncertain significance for Fibromatosis, gingival, 1; Noonan syndrome 4. Last evaluated: 2021-10-12. Review status: criteria provided, single submitter. Criteria: ACMG Guidelines, 2015. Collection method: clinical testing. Allele origin: unknown.

Women's Health and Genetics/Laboratory Corporation of America, LabCorp
Classification: Uncertain significance. Last evaluated: 2016-05-16. Review status: criteria provided, single submitter. Criteria: LabCorp Variant Classification Summary - May 2015. Collection method: clinical testing. Allele origin: germline.
Comment: Variant summary: The SOS1 c.638G>A (p.Arg213Gln) variant involves the alteration of a conserved nucleotide. 2/4 in silico tools predict a benign outcome (SNPs&GO not captured due to low reliability index). This variant was found in 2/121116 control chromosomes, predominantly observed in the African subpopulation at a frequency of 0.0001953 (2/10240). This frequency is about 7 times the estimated maximal expected allele frequency of a pathogenic SOS1 variant (0.00003), suggesting this is likely a benign polymorphism found primarily in the populations of African origin. The variant of interest has not, to our knowledge, been reported in affected individuals via publications and/or reputable databases/clinical diagnostic laboratories; nor evaluated for functional impact by in vivo/vitro studies. Because of the absence of clinical information and the lack of functional studies, the variant was classified as a variant of uncertain significance (VUS)-possibly benign until additional information becomes available.

Literature cited by the submitters: PubMed 29907801 (cited by Ambry Genetics).